The following is an entry in ClinVar:

NM_003014.4(SFRP4):c.739C>T (p.His247Tyr)

Gene: SFRP4 (secreted frizzled related protein 4; minus strand). Cytogenetic location: 7p14.1.
Variant type: single nucleotide variant.
Coding change: c.739C>T on transcript NM_003014.4 (MANE Select); coding-DNA position 739, C replaced by T.
Protein change: p.His247Tyr; replaces histidine 247 with tyrosine.
Molecular consequence: missense variant.
Genome position (GRCh38, 1-based): chr7:37,912,171, G>A on the plus strand (C>T on the coding strand, the complement: SFRP4 is on the minus strand). VCF-style: chr7-37912171-G-A. GRCh37 (hg19) VCF-style: chr7-37951773-G-A.
Other names: short protein forms H247Y.
Identifiers: ClinVar variation 1436685 (VCV001436685.5), dbSNP rs866588308, ClinGen allele CA157152234.

ClinVar aggregate classification (germline): Uncertain significance (1 of 4 stars; one submission).

Allele frequency attached by ClinVar (database versions not stated): gnomAD exomes below 0.00001 and 0.00001.

Submission:

Labcorp Genetics (formerly Invitae), Labcorp
Classification: Uncertain significance. Last evaluated: 2021-10-15. Review status: criteria provided, single submitter. Criteria: Invitae Variant Classification Sherloc (09022015). Collection method: clinical testing. Allele origin: germline.
Comment: In summary, the available evidence is currently insufficient to determine the role of this variant in disease. Therefore, it has been classified as a Variant of Uncertain Significance. Algorithms developed to predict the effect of missense changes on protein structure and function are either unavailable or do not agree on the potential impact of this missense change (SIFT: "Tolerated"; PolyPhen-2: "Possibly Damaging"; Align-GVGD: "Class C0"). This variant has not been reported in the literature in individuals affected with SFRP4-related conditions. This variant is not present in population databases (ExAC no frequency). This sequence change replaces histidine with tyrosine at codon 247 of the SFRP4 protein (p.His247Tyr). The histidine residue is moderately conserved and there is a moderate physicochemical difference between histidine and tyrosine.